The following is an entry in ClinVar:

ClinVar aggregate classification (germline): Likely benign. Review status: criteria provided, multiple submitters, no conflicts (2 of 4 stars). 4 submissions from 4 submitters: Likely benign (3). 1 of the submissions does not count toward it. Last evaluated 2025-12-16.

Conditions:
C2CD3-related disorder. Also called: C2CD3-related condition.

Allele frequency attached by ClinVar (database versions not stated): gnomAD exomes 0.00015 and 0.00042; ExAC 0.00052; ESP Exome Variant Server 0.00154; 1000 Genomes Project 30x 0.00156; 1000 Genomes Project 0.00160; gnomAD 0.00170 and 0.00183; TOPMed 0.00206.
gnomAD v4.1: 502 of 1,614,110 alleles (0.031%); highest among the groups gnomAD compares: African/African-American, 0.59%; 2 homozygotes.

Submissions (6):

Labcorp Genetics (formerly Invitae), Labcorp
Classification: Likely benign. Last evaluated: 2025-12-16. Review status: criteria provided, single submitter. Criteria: Invitae Variant Classification Sherloc (09022015). Collection method: clinical testing. Allele origin: germline.

Blueprint Genetics
Classification: Likely benign. Last evaluated: 2024-06-28. Review status: criteria provided, single submitter. Criteria: ACMG Guidelines, 2015. Collection method: clinical testing. Allele origin: germline.

Breakthrough Genomics
Classification: Likely benign. Review status: criteria provided, single submitter. Criteria: ACMG Guidelines, 2015. Collection method: not provided. Allele origin: germline. Inheritance: Autosomal recessive inheritance. Affected: yes.

PreventionGenetics, part of Exact Sciences
Classification: Likely benign for C2CD3-related condition. Last evaluated: 2019-08-05. Review status: no assertion criteria provided. Collection method: clinical testing. Allele origin: germline. Not counted in ClinVar's aggregate classification.
Comment: This variant is classified as likely benign based on ACMG/AMP sequence variant interpretation guidelines (Richards et al. 2015 PMID: 25741868, with internal and published modifications).

Dr. Peter K. Rogan Lab, Western University
No classification provided (evidence only). Condition: Clear cell carcinoma of kidney. Review status: no classification provided. Collection method: in vitro. Allele origin: not applicable. Functional consequence: retained intron. Not counted in ClinVar's aggregate classification.

Dr. Peter K. Rogan Lab, Western University
No classification provided (evidence only). Condition: Gastric cancer. Review status: no classification provided. Collection method: in vitro. Allele origin: not applicable. Functional consequence: retained intron. Not counted in ClinVar's aggregate classification.

NM_001286577.2(C2CD3):c.4130G>A (p.Arg1377Gln)

Gene: C2CD3 (C2 domain containing 3 centriole elongation regulator; minus strand). Cytogenetic location: 11q13.4.
Variant type: single nucleotide variant.
Coding change: c.4130G>A on transcript NM_001286577.2 (MANE Select); coding-DNA position 4130, G replaced by A.
Protein change: p.Arg1377Gln; replaces arginine 1377 with glutamine.
Molecular consequence: missense variant.
Genome position (GRCh38, 1-based): chr11:74,078,588, C>T on the plus strand (G>A on the coding strand, the complement: C2CD3 is on the minus strand). VCF-style: chr11-74078588-C-T. GRCh37 (hg19) VCF-style: chr11-73789633-C-T.
Other names: c.4130G>A, p.Arg1377Gln (NM_015531.6); short protein forms R1377Q.
Identifiers: ClinVar variation 721841 (VCV000721841.15), dbSNP rs151035960, ClinGen allele CA6182193.